The following is an entry in ClinVar:

NM_006767.4(LZTR1):c.1615+6C>T

Gene: LZTR1 (leucine zipper like post translational regulator 1; plus strand). Cytogenetic location: 22q11.21.
Variant type: single nucleotide variant.
Coding change: c.1615+6C>T on transcript NM_006767.4 (MANE Select); 6 bases into the intron after coding-DNA position 1615, C replaced by T.
Molecular consequence: intron variant.
Genome position (GRCh38, 1-based): chr22:20,994,275, C>T. VCF-style: chr22-20994275-C-T. GRCh37 (hg19) VCF-style: chr22-21348564-C-T.
Other names: c.1615+6C>T (NM_006767.3).
Identifiers: ClinVar variation 2418577 (VCV002418577.6), dbSNP rs1358325276, ClinGen allele CA638942450.

ClinVar aggregate classification (germline): Conflicting classifications of pathogenicity. Review status: criteria provided, conflicting classifications (1 of 4 stars). 2 submissions from 2 submitters: Uncertain significance (1); Likely benign (1). Last evaluated 2025-12-15.

Conditions:
LZTR1-related disorder. Also called: LZTR1-related disorders; LZTR1-related condition.

Allele frequency attached by ClinVar (database versions not stated): gnomAD 0.00001.
gnomAD v4.1: 3 of 1,597,052 alleles (0.00019%); highest among the groups gnomAD compares: African/African-American, 0.0027%; no homozygotes.

Submissions (2):

Labcorp Genetics (formerly Invitae), Labcorp
Classification: Uncertain significance. Last evaluated: 2025-12-15. Review status: criteria provided, single submitter. Criteria: Invitae Variant Classification Sherloc (09022015). Collection method: clinical testing. Allele origin: germline.
Comment: This sequence change falls in intron 14 of the LZTR1 gene. It does not directly change the encoded amino acid sequence of the LZTR1 protein. It affects a nucleotide within the consensus splice site. This variant is present in population databases (no rsID available, gnomAD 0.01%). This variant has not been reported in the literature in individuals affected with LZTR1-related conditions. ClinVar contains an entry for this variant (Variation ID: 2418577). Variants that disrupt the consensus splice site are a relatively common cause of aberrant splicing (PMID: 17576681, 9536098). Algorithms developed to predict the effect of sequence changes on RNA splicing suggest that this variant is not likely to affect RNA splicing. In summary, the available evidence is currently insufficient to determine the role of this variant in disease. Therefore, it has been classified as a Variant of Uncertain Significance.

PreventionGenetics, part of Exact Sciences
Classification: Likely benign for LZTR1-related condition. Last evaluated: 2025-04-04. Review status: criteria provided, single submitter. Criteria: ACMG Guidelines, 2015. Collection method: clinical testing. Allele origin: germline.
Comment: This variant is classified as likely benign based on ACMG/AMP sequence variant interpretation guidelines (Richards et al. 2015 PMID: 25741868, with internal and published modifications).

Literature cited by the submitters: PubMed 17576681 (cited by Labcorp Genetics (formerly Invitae), Labcorp); PubMed 9536098 (cited by Labcorp Genetics (formerly Invitae), Labcorp).